The following is an entry in ClinVar:

ClinVar aggregate classification (germline): Benign (1 of 4 stars; one submission).

Conditions:
Seizures, benign familial infantile, 3 (BFIS3). Also called: CONVULSIONS, BENIGN FAMILIAL INFANTILE, 3; Familial neonatal seizures. Identifiers: Orphanet 140927, Orphanet 306, MedGen C1843140, MONDO:0011904, OMIM 607745.

Allele frequency attached by ClinVar (database versions not stated): gnomAD 0.00281 and 0.00297; TOPMed 0.00337; 1000 Genomes Project 30x 0.00500; 1000 Genomes Project 0.00539.

Submission:

Illumina Laboratory Services, Illumina
Classification: Benign for Seizures, benign familial infantile, 3. Last evaluated: 2018-01-12. Review status: criteria provided, single submitter. Criteria: ICSL Variant Classification Criteria 13 December 2019. Collection method: clinical testing. Allele origin: germline.
Comment: This variant was observed in the ICSL laboratory as part of a predisposition screen in an ostensibly healthy population. It had not been previously curated by ICSL or reported in the Human Gene Mutation Database (HGMD: prior to June 1st, 2018), and was therefore a candidate for classification through an automated scoring system. Utilizing variant allele frequency, disease prevalence and penetrance estimates, and inheritance mode, an automated score was calculated to assess if this variant is too frequent to cause the disease. Based on the score and internal cut-off values, a variant classified as benign is not then subjected to further curation. The score for this variant resulted in a classification of benign for this disease.

NM_001040142.2(SCN2A):c.*1507T>G

Gene: SCN2A (sodium voltage-gated channel alpha subunit 2; plus strand). Cytogenetic location: 2q24.3.
Variant type: single nucleotide variant.
Coding change: c.*1507T>G on transcript NM_001040142.2 (MANE Select); 1507 bases downstream of the stop codon, T replaced by G.
Molecular consequence: 3 prime UTR variant.
Genome position (GRCh38, 1-based): chr2:165,391,331, T>G. VCF-style: chr2-165391331-T-G. GRCh37 (hg19) VCF-style: chr2-166247841-T-G.
Other names: c.*1507T>G (NM_001040143.2, NM_001371246.1, NM_001371247.1 and 1 more transcripts).
Identifiers: ClinVar variation 331755 (VCV000331755.5), dbSNP rs149580267, ClinGen allele CA10611496.